The following is an entry in ClinVar:

NM_000038.6(APC):c.1744-2A>G

Gene: APC (APC regulator of Wnt signaling pathway; plus strand). Cytogenetic location: 5q22.2.
Variant type: single nucleotide variant.
Coding change: c.1744-2A>G on transcript NM_000038.6 (MANE Select); the canonical splice acceptor site of the intron before coding-DNA position 1744, A replaced by G.
Molecular consequence: splice acceptor variant.
Genome position (GRCh38, 1-based): chr5:112,834,949, A>G. VCF-style: chr5-112834949-A-G. GRCh37 (hg19) VCF-style: chr5-112170646-A-G.
Other names: c.895-2A>G (NM_001407470.1, NM_001354906.2); c.592-2A>G (NM_001407472.1, NM_001407471.1); c.1798-2A>G (NM_001407447.1, NM_001407448.1, NM_001407449.1 and 1 more transcripts); c.1744-2A>G (NM_001354895.2, NM_001407450.1, NM_001127510.3); c.1495-2A>G (NM_001407456.1, NM_001407457.1, NM_001407455.1 and 1 more transcripts); c.1441-2A>G (NM_001407460.1, NM_001407458.1, NM_001407459.1 and 1 more transcripts); c.1714-2A>G (NM_001407452.1); c.1357-2A>G (NM_001407469.1, NM_001407467.1); and 11 more.
Identifiers: ClinVar variation 156482 (VCV000156482.21), dbSNP rs587783035, ClinGen allele CA005882.

ClinVar aggregate classification (germline): Pathogenic. Review status: criteria provided, multiple submitters, no conflicts (2 of 4 stars). 9 submissions from 9 submitters: Pathogenic (7). 2 of the submissions do not count toward it. Last evaluated 2025-12-16.

Conditions:
Hereditary cancer-predisposing syndrome. Also called: Hereditary neoplastic syndrome; Tumor predisposition; Hereditary Cancer Syndrome; Neoplastic Syndromes, Hereditary. Identifiers: Orphanet 140162, MedGen C0027672, MeSH D009386, MONDO:0015356.
Familial multiple polyposis syndrome (FAP). Also called: Familial Adenomatous Polyposis (FAP); Familial adenomatous polyposis; Familial polyposis; Familial intestinal polyposis; Classic familial adenomatous polyposis. Identifiers: Orphanet 733, MedGen C0032580, MONDO:0021055. Disease mechanism: loss of function.
Familial adenomatous polyposis 1 (FAP1). Also called: POLYPOSIS, ADENOMATOUS INTESTINAL; FAMILIAL ADENOMATOUS POLYPOSIS 1, ATTENUATED. Identifiers: MedGen C2713442, MONDO:0021056, OMIM 175100. Disease mechanism: loss of function.
Carcinoma of colon (CRC). Also called: Colonic carcinoma; Colon carcinoma. Identifiers: MedGen C0699790, MONDO:0002032.

Submissions (9):

Labcorp Genetics (formerly Invitae), Labcorp
Classification: Pathogenic for Familial adenomatous polyposis 1. Last evaluated: 2025-12-16. Review status: criteria provided, single submitter. Criteria: Invitae Variant Classification Sherloc (09022015). Collection method: clinical testing. Allele origin: germline.
Comment: This sequence change affects an acceptor splice site in intron 14 of the APC gene. RNA analysis indicates that disruption of this splice site induces altered splicing and likely disrupts the C-terminus of the protein. This variant is not present in population databases (gnomAD no frequency). Disruption of this splice site has been observed in individuals with familial adenomatous polyposis (FAP) (PMID: 8990002, 9298819, 11247896, 15459959, 20223039, 20564245). It has also been observed to segregate with disease in related individuals. ClinVar contains an entry for this variant (Variation ID: 156482). Studies have shown that disruption of this splice site results in skipping of exon 15 and introduces a new termination codon (PMID: 9298819, 15459959). However the mRNA is not expected to undergo nonsense-mediated decay. For these reasons, this variant has been classified as Pathogenic.

Ambry Genetics
Classification: Pathogenic for Hereditary cancer-predisposing syndrome. Last evaluated: 2025-03-10. Review status: criteria provided, single submitter. Criteria: Ambry Variant Classification Scheme 2023. Collection method: clinical testing. Allele origin: germline.
Comment: The c.1744-2A>G intronic pathogenic mutation results from an A to G substitution two nucleotides upstream from coding exon 14 in the APC gene. This variant was reported in individuals with features consistent with familial adenomatous polyposis (Ambry internal data; van der Luijt RB et al. Hum. Mutat. 1997;9:7-16; Bala S et al. Hum. Mutat., 1997;10:201-6; Aretz S et al. Hum. Mutat. 2004 Nov;24:370-80; Friedl W et al. Hered Cancer Clin Pract, 2005 Sep;3:95-114; Miclea RL et al. J. Bone Miner. Res., 2010 Dec;25:2624-32; Kerr SE et al. J Mol Diagn, 2013 Jan;15:31-43). RNA studies have demonstrated this variant to result in abnormal splicing (Ambry internal data; Bala S et al. Hum. Mutat., 1997;10:201-6; Aretz S et al. Hum. Mutat. 2004 Nov;24:370-80;). In silico splice site analysis predicts that this alteration will weaken the native splice acceptor site. This variant is considered to be rare based on population cohorts in the Genome Aggregation Database (gnomAD). As such, this alteration is classified as a disease-causing mutation.

Quest Diagnostics Nichols Institute San Juan Capistrano
Classification: Pathogenic. Last evaluated: 2023-05-26. Review status: criteria provided, single submitter. Criteria: Quest Diagnostics criteria. Collection method: clinical testing. Allele origin: unknown.
Comment: The APC c.1744-2A>G variant disrupts a canonical splice-acceptor site and interferes with normal APC mRNA splicing. This variant has been reported in the published literature in individuals and families with familial adenomatous polyposis (FAP) (PMIDs: 23159591 (2013), 21315632 (2011), 20564245 (2010), 20223039 (2005), 15459959 (2004), 11247896 (2001), 10713886 (2000), 8990002 (1997), 9298819 (1997)). An experimental study reports the skipping of exon 14 due to improper splicing is damaging to APC protein function (PMID: 9298819 (1997)). This variant has not been reported in large, multi-ethnic general populations (Genome Aggregation Database). Based on the available information, this variant is classified as pathogenic.

Myriad Genetics, Inc.
Classification: Pathogenic for Familial adenomatous polyposis 1. Last evaluated: 2023-05-03. Review status: criteria provided, single submitter. Criteria: Myriad Autosomal Dominant, Autosomal Recessive and X-Linked Classification Criteria (2023). Collection method: clinical testing. Allele origin: unknown.
Comment: This variant is considered pathogenic. This variant occurs within a consensus splice junction and is predicted to result in abnormal mRNA splicing of either an out-of-frame exon or an in-frame exon necessary for protein stability and/or normal function. mRNA analysis has demonstrated abnormal mRNA splicing occurs [PMID: 15459959]. This variant has been reported in multiple individuals with clinical features of gene-specific disease [PMID: 10713886].

Institute for Clinical Genetics, University Hospital TU Dresden, University Hospital TU Dresden
Classification: Pathogenic. Last evaluated: 2023-05-02. Review status: criteria provided, single submitter. Criteria: ACMG Guidelines, 2015. Collection method: clinical testing. Allele origin: germline.

Women's Health and Genetics/Laboratory Corporation of America, LabCorp
Classification: Pathogenic for Familial multiple polyposis syndrome. Last evaluated: 2022-08-23. Review status: criteria provided, single submitter. Criteria: LabCorp Variant Classification Summary - May 2015. Collection method: clinical testing. Allele origin: germline.
Comment: Variant summary: APC c.1744-2A>G is located in a canonical splice-site and is predicted to affect mRNA splicing resulting in a significantly altered protein due to either exon skipping, shortening, or inclusion of intronic material. Several computational tools predict a significant impact on normal splicing: Four predict the variant abolishes a canonical 3' splice acceptor site. At least one publication reports experimental evidence that this variant affects mRNA splicing resulting in skipping of exon 14 (example, Bala_1997). The variant was absent in 251084 control chromosomes. c.1744-2A>G has been reported in the literature in multiple individuals affected with Familial Adenomatous Polyposis (example, Aretz_2004, Cao_2000, Lima_2011, Miclea_2010, Kim_2019). These data indicate that the variant is very likely to be associated with disease. Three clinical diagnostic laboratories have submitted clinical-significance assessments for this variant to ClinVar after 2014 without evidence for independent evaluation. All laboratories classified the variant as pathogenic. Based on the evidence outlined above, the variant was classified as pathogenic.

Color Diagnostics, LLC DBA Color Health
Classification: Pathogenic for Hereditary cancer-predisposing syndrome. Last evaluated: 2019-08-07. Review status: criteria provided, single submitter. Criteria: ACMG Guidelines, 2015. Collection method: clinical testing. Allele origin: germline.
Comment: This variant causes an A>G nucleotide substitution at the -2 position of intron 14 of the APC gene. Functional RNA studies have shown that this variant causes skipping of exon 15 (also reported as exon 14 in the literature) and this mutant transcript is expected to create a frameshift and a premature translation stop signal and be expressed as a truncated protein (PMID: 9298819, 15459959). Analysis of lymphoblastoid B cells from individuals carrying this variant has demonstrated the expression of the low-molecular-weight APC protein encoded by this mutant transcript (PMID: 9298819). This variant has been reported in more than 10 individuals affected with familial adenomatous polyposis (PMID: 8990002, 9298819, 10713886, 11247896, 15459959, 20223039, 20564245, 23159591). This variant has not been identified in the general population by the Genome Aggregation Database (gnomAD). Loss of APC function is a known mechanism of disease. Based on available evidence, this variant is classified as Pathogenic.

Pathway Genomics
Classification: Pathogenic for Adenomatous polyposis coli. Last evaluated: 2014-07-24. Review status: no assertion criteria provided. Collection method: clinical testing. Allele origin: germline. Not counted in ClinVar's aggregate classification.

Department of Pathology and Laboratory Medicine, Sinai Health System
Classification: Pathogenic for Carcinoma of colon. Review status: no assertion criteria provided. Collection method: clinical testing. Allele origin: unknown. Affected: yes. Study: The Canadian Open Genetics Repository (COGR). Not counted in ClinVar's aggregate classification.
Comment: The APC c.1744-2A>G variant was identified in 2 of 2542 proband chromosomes (frequency: 0.001) from individuals or families with FAP (van der Luijt 1997, Friedl 2005, Friedl 2001, Aretz 2004). RNA based analysis showed that the variant caused exon 14 skipping by abolishing the consensus splice site, correlating with in silico prediction models (Aretz 2004). The variant was identified in the HGMD, InSiGHT Colon Cancer Gene Variant Database (3X), and the ClinVar database (classified as a Pathogenic variant by Pathway Genomics). The c.1744-2A>G variant is predicted to cause abnormal splicing because the nucleotide substitution occurs in the invariant region of the splice consensus sequence. In addition, 5 of 5 in silico or computational prediction software programs (SpliceSiteFinder, MaxEntScan, NNSPLICE, GeneSplicer, HumanSpliceFinder) predict a greater than 10% difference in splicing. In summary, based on the above information, this variant meets our laboratoryâ€šÃ„Ã´s criteria to be classified as pathogenic.

Literature cited by the submitters: PubMed 8990002 (cited by 4 submitters); PubMed 9298819 (cited by 5 submitters); PubMed 11247896 (cited by 4 submitters); PubMed 15459959 (cited by 6 submitters); PubMed 20223039 (cited by 4 submitters); PubMed 20564245 (cited by 5 submitters); PubMed 17568392 (cited by Ambry Genetics); PubMed 23159591 (cited by 3 submitters); PubMed 28423518 (cited by Ambry Genetics and Quest Diagnostics Nichols Institute San Juan Capistrano); PubMed 21315632 (cited by Quest Diagnostics Nichols Institute San Juan Capistrano and Women's Health and Genetics/Laboratory Corporation of America, LabCorp); PubMed 10713886 (cited by 3 submitters).